The following is an entry in ClinVar:

NM_005732.4(RAD50):c.129+1G>A

Gene: RAD50 (RAD50 double strand break repair protein; plus strand). Cytogenetic location: 5q31.1.
Variant type: single nucleotide variant.
Coding change: c.129+1G>A on transcript NM_005732.4 (MANE Select); the canonical splice donor site of the intron after coding-DNA position 129, G replaced by A.
Molecular consequence: splice donor variant.
Genome position (GRCh38, 1-based): chr5:132,557,454, G>A. VCF-style: chr5-132557454-G-A. GRCh37 (hg19) VCF-style: chr5-131893146-G-A.
Other names: c.129+1G>A (NM_005732.3).
Identifiers: ClinVar variation 2036071 (VCV002036071.5), dbSNP rs1339714611, ClinGen allele CA360952024.

ClinVar aggregate classification (germline): Likely pathogenic. Review status: criteria provided, multiple submitters, no conflicts (2 of 4 stars). 2 submissions from 2 submitters: Likely pathogenic (2). Last evaluated 2024-05-24.

Conditions:
Hereditary cancer-predisposing syndrome. Also called: Hereditary Cancer Syndrome; Neoplastic Syndromes, Hereditary; Hereditary neoplastic syndrome; Tumor predisposition. Identifiers: Orphanet 140162, MedGen C0027672, MeSH D009386, MONDO:0015356.

Submissions (2):

Ambry Genetics
Classification: Likely pathogenic for Hereditary cancer-predisposing syndrome. Last evaluated: 2024-05-24. Review status: criteria provided, single submitter. Criteria: Ambry Variant Classification Scheme 2023. Collection method: clinical testing. Allele origin: germline.
Comment: The c.129+1G>A intronic variant results from a G to A substitution one nucleotide after coding exon 1 of the RAD50 gene. This nucleotide position is highly conserved in available vertebrate species. In silico splice site analysis predicts that this alteration will weaken the native splice donor site; however, direct evidence is insufficient at this time (Ambry internal data). This variant is considered to be rare based on population cohorts in the Genome Aggregation Database (gnomAD). Alterations that disrupt the canonical splice site are expected to cause aberrant splicing, resulting in an abnormal protein or a transcript that is subject to nonsense-mediated mRNA decay. As such, this alteration is classified as likely pathogenic.

Labcorp Genetics (formerly Invitae), Labcorp
Classification: Likely pathogenic for Hereditary cancer-predisposing syndrome. Last evaluated: 2022-10-19. Review status: criteria provided, single submitter. Criteria: Invitae Variant Classification Sherloc (09022015). Collection method: clinical testing. Allele origin: germline.
Comment: This sequence change affects a donor splice site in intron 1 of the RAD50 gene. It is expected to disrupt RNA splicing. Variants that disrupt the donor or acceptor splice site typically lead to a loss of protein function (PMID: 16199547), and loss-of-function variants in RAD50 are known to be pathogenic (PMID: 19409520). This variant is not present in population databases (gnomAD no frequency). This variant has not been reported in the literature in individuals affected with RAD50-related conditions. Algorithms developed to predict the effect of sequence changes on RNA splicing suggest that this variant may disrupt the consensus splice site. In summary, the currently available evidence indicates that the variant is pathogenic, but additional data are needed to prove that conclusively. Therefore, this variant has been classified as Likely Pathogenic.

Literature cited by the submitters: PubMed 16199547 (cited by Labcorp Genetics (formerly Invitae), Labcorp); PubMed 19409520 (cited by Labcorp Genetics (formerly Invitae), Labcorp).